The following is an entry in ClinVar:

NM_003611.3(OFD1):c.616_617del (p.Glu206fs)

Gene: OFD1 (OFD1 centriole and centriolar satellite protein; plus strand). Cytogenetic location: Xp22.2.
Variant type: Microsatellite.
Coding change: c.616_617del on transcript NM_003611.3 (MANE Select); coding-DNA positions 616 to 617, 2 bases deleted (GA; older notation c.616_617delGA).
Protein change: p.Glu206fs; shifts the reading frame from glutamic acid 206.
Molecular consequence: frameshift variant.
Genome position (GRCh38, 1-based): chrX:13,746,417-13,746,418, GA deleted; deleting any 2 consecutive bases within chrX:13,746,412-13,746,418 gives the same sequence; the c. name uses the placement nearest the transcript's 3' end. VCF-style (leftmost placement, unchanged base first): chrX-13746411-AAG-A. GRCh37 (hg19) VCF-style: chrX-13764530-AAG-A.
Other names: c.616_617del, p.Glu206fs (NM_001330209.2); c.196_197del, p.Glu66fs (NM_001330210.2); c.616_617del (NM_003611.2); short protein forms E206fs, E66fs.
Identifiers: ClinVar variation 2138474 (VCV002138474.6), dbSNP rs312262840, ClinGen allele CA344026.
Genomic context (GRCh38, chrX:13,746,411, plus strand): 5'-GCAGATGCTTACCCTCAGCGTATCAAGTTCGAATCTTTAGAAATAAAGCTAAATGAGTAT[AAG>A]AGAGAAATAGAAGAGCAACTTCGGGCAGAAATGTGTCAAAAGGTAAGCTTTATCTTGTTA-3'

ClinVar aggregate classification (germline): Pathogenic. Review status: criteria provided, multiple submitters, no conflicts (2 of 4 stars). 3 submissions from 3 submitters: Pathogenic (3). Last evaluated 2022-12-02.

Conditions:
OFD1-related disorder. Also called: OFD1-related condition.
Orofaciodigital syndrome I (OFD1). Also called: OFDS I; Oral-Facial-Digital Syndrome Type I; Papillon-Leage and Psaume Syndrome. Identifiers: Orphanet 2750, MedGen C1510460, MONDO:0010702, OMIM 311200.
Joubert syndrome. Also called: JOUBERT-BOLTSHAUSER SYNDROME; Familial aplasia of the vermis. Identifiers: Orphanet 475, MedGen C5979921, MONDO:0018772.

Submissions (3):

Blueprint Genetics
Classification: Pathogenic for OFD1-related disorders. Last evaluated: 2022-12-02. Review status: criteria provided, single submitter. Criteria: ACMG Guidelines, 2015. Collection method: clinical testing. Allele origin: germline. Affected: yes. Observed: 1 variant allele.

GeneDx
Classification: Pathogenic. Last evaluated: 2022-11-21. Review status: criteria provided, single submitter. Criteria: GeneDx Variant Classification Process June 2021. Collection method: clinical testing. Allele origin: germline. Affected: yes.
Comment: Frameshift variant predicted to result in protein truncation or nonsense mediated decay in a gene for which loss of function is a known mechanism of disease; Not observed at significant frequency in large population cohorts (gnomAD); This variant is associated with the following publications: (PMID: 18546297)

Labcorp Genetics (formerly Invitae), Labcorp
Classification: Pathogenic for Orofaciodigital syndrome I; Joubert syndrome. Last evaluated: 2022-03-02. Review status: criteria provided, single submitter. Criteria: Invitae Variant Classification Sherloc (09022015). Collection method: clinical testing. Allele origin: germline.
Comment: For these reasons, this variant has been classified as Pathogenic. ClinVar contains an entry for this variant (Variation ID: 41131). This variant is also known as p.E206NfsX222. This premature translational stop signal has been observed in individual(s) with oral-facial-digital syndrome, type I (PMID: 18546297). This variant is not present in population databases (gnomAD no frequency). This sequence change creates a premature translational stop signal (p.Glu206Asnfs*17) in the OFD1 gene. It is expected to result in an absent or disrupted protein product. Loss-of-function variants in OFD1 are known to be pathogenic (PMID: 16783569, 18546297, 27081566).

Literature cited by the submitters: PubMed 18546297 (cited by Labcorp Genetics (formerly Invitae), Labcorp); PubMed 16783569 (cited by Labcorp Genetics (formerly Invitae), Labcorp); PubMed 27081566 (cited by Labcorp Genetics (formerly Invitae), Labcorp).